The following is an entry in ClinVar:

ClinVar aggregate classification (germline): Uncertain significance (1 of 4 stars; one submission).

gnomAD v4.1: 1 of 1,613,380 alleles (0.000062%); highest among the groups gnomAD compares: South Asian, 0.0011%; no homozygotes.

Submission:

CeGaT Center for Human Genetics Tuebingen
Classification: Uncertain significance. Last evaluated: 2025-08-01. Review status: criteria provided, single submitter. Criteria: CeGaT Center For Human Genetics Tuebingen Variant Classification Criteria Version 2. Collection method: clinical testing. Allele origin: germline. Affected: yes. Observed: 1 variant allele.
Comment: COASY: PM2, PM3:Supporting

NM_025233.7(COASY):c.990A>C (p.Lys330Asn)

Gene: COASY (Coenzyme A synthase; plus strand). Cytogenetic location: 17q21.2.
Variant type: single nucleotide variant.
Coding change: c.990A>C on transcript NM_025233.7 (MANE Select); coding-DNA position 990, A replaced by C.
Protein change: p.Lys330Asn; replaces lysine 330 with asparagine.
Molecular consequence: missense variant.
Genome position (GRCh38, 1-based): chr17:42,564,520, A>C. VCF-style: chr17-42564520-A-C. GRCh37 (hg19) VCF-style: chr17-40716538-A-C.
Other names: c.990A>C, p.Lys330Asn (NM_001042529.3); c.1077A>C, p.Lys359Asn (NM_001042532.4); short protein forms K330N, K359N.
Identifiers: ClinVar variation 4084584 (VCV004084584.8).